The following is an entry in ClinVar:

ClinVar aggregate classification (germline): Uncertain significance (1 of 4 stars; one submission).

Submission:

Ambry Genetics
Classification: Uncertain significance. Last evaluated: 2024-12-08. Review status: criteria provided, single submitter. Criteria: Ambry Variant Classification Scheme 2023. Collection method: clinical testing. Allele origin: germline.
Comment: The p.D333V variant (also known as c.998A>T), located in coding exon 10 of the KIF1B gene, results from an A to T substitution at nucleotide position 998. The aspartic acid at codon 333 is replaced by valine, an amino acid with highly dissimilar properties. This amino acid position is conserved. In addition, this alteration is predicted to be deleterious by in silico analysis. Based on the available evidence, the clinical significance of this variant remains unclear.

NM_001365951.3(KIF1B):c.1016A>T (p.Asp339Val)

Gene: KIF1B (kinesin family member 1B; plus strand). Cytogenetic location: 1p36.22.
Variant type: single nucleotide variant.
Coding change: c.1016A>T on transcript NM_001365951.3 (MANE Select); coding-DNA position 1016, A replaced by T.
Protein change: p.Asp339Val; replaces aspartic acid 339 with valine.
Molecular consequence: missense variant.
Genome position (GRCh38, 1-based): chr1:10,276,378, A>T. VCF-style: chr1-10276378-A-T. GRCh37 (hg19) VCF-style: chr1-10336436-A-T.
Other names: c.1016A>T, p.Asp339Val (NM_001365952.1); c.998A>T, p.Asp333Val (NM_001365953.1, NM_015074.3, NM_183416.4); short protein forms D333V, D339V.
Identifiers: ClinVar variation 3533863 (VCV003533863.1).